The following is an entry in ClinVar:

ClinVar aggregate classification (germline): Conflicting classifications of pathogenicity. Review status: criteria provided, conflicting classifications (1 of 4 stars). 2 submissions from 2 submitters: Likely pathogenic (1); Uncertain significance (1). Last evaluated 2025-08-16.

Submissions (2):

GeneDx
Classification: Likely pathogenic. Last evaluated: 2025-08-16. Review status: criteria provided, single submitter. Criteria: GeneDx Variant Classification Process June 2021. Collection method: clinical testing. Allele origin: germline.
Comment: Frameshift variant predicted to result in protein truncation or nonsense mediated decay in a gene for which loss of function is a known mechanism of disease; Has not been previously published as pathogenic or benign to our knowledge

Labcorp Genetics (formerly Invitae), Labcorp
Classification: Uncertain significance. Last evaluated: 2024-04-01. Review status: criteria provided, single submitter. Criteria: Invitae Variant Classification Sherloc (09022015). Collection method: clinical testing. Allele origin: germline.
Comment: This sequence change creates a premature translational stop signal (p.Val295Phefs*2) in the GFM2 gene. It is expected to result in an absent or disrupted protein product. However, the current clinical and genetic evidence is not sufficient to establish whether loss-of-function variants in GFM2 cause disease. This variant is present in population databases (rs757683184, gnomAD 0.02%). This variant has not been reported in the literature in individuals affected with GFM2-related conditions. ClinVar contains an entry for this variant (Variation ID: 1707967). In summary, the available evidence is currently insufficient to determine the role of this variant in disease. Therefore, it has been classified as a Variant of Uncertain Significance.

NM_032380.5(GFM2):c.883del (p.Val295fs)

Gene: GFM2 (GTP dependent ribosome recycling factor mitochondrial 2; minus strand). Cytogenetic location: 5q13.3.
Variant type: Deletion.
Coding change: c.883del on transcript NM_032380.5 (MANE Select); coding-DNA position 883, one base deleted (G; older notation c.883delG).
Protein change: p.Val295fs; shifts the reading frame from valine 295.
Molecular consequence: frameshift variant. On other transcripts: non-coding transcript variant (1).
Genome position (GRCh38, 1-based): chr5:74,741,576, C deleted on the plus strand (G on the coding strand, the reverse complement: GFM2 is on the minus strand); the first of 2 consecutive C bases (chr5:74,741,576-74,741,577); deleting either gives the same sequence. VCF-style (leftmost placement, unchanged base first): chr5-74741575-AC-A. GRCh37 (hg19) VCF-style: chr5-74037400-AC-A.
Other names: c.979del, p.Val327fs (NM_001281302.2); c.883del, p.Val295fs (NM_170681.3, NM_170691.3); short protein forms V295fs, V327fs.
Identifiers: ClinVar variation 1707967 (VCV001707967.8), dbSNP rs757683184, ClinGen allele CA3306665.
Genomic context (GRCh38, chr5:74,741,575, plus strand): 5'-ATAATAAAATTTACCTTTTCAGCTGGTAACAAATCAAAATTCTCACTAAATTCTTCTAAA[AC>A]CAAGTCAGCAAATTCATCATCCAAATCTGCAACCTATAAAGAAAGGTTTTAGAGTTCTAT-3'